The following is an entry in ClinVar:

NM_005138.3(SCO2):c.460G>A (p.Glu154Lys)

Genes: NCAPH2 (non-SMC condensin II complex subunit H2; plus strand), SCO2 (synthesis of cytochrome C oxidase 2; minus strand). Cytogenetic location: 22q13.33.
Variant type: single nucleotide variant.
Coding change: c.460G>A on transcript NM_005138.3 (MANE Select); coding-DNA position 460, G replaced by A.
Protein change: p.Glu154Lys; replaces glutamic acid 154 with lysine.
Molecular consequence: missense variant. On other transcripts: 3 prime UTR variant (2).
Genome position (GRCh38, 1-based): chr22:50,523,952, C>T on the plus strand (G>A on the coding strand, the complement: SCO2 is on the minus strand). VCF-style: chr22-50523952-C-T. GRCh37 (hg19) VCF-style: chr22-50962381-C-T.
Other names: c.460G>A (NM_005138.2); c.*577C>T (NM_001185011.2, NM_152299.4); c.460G>A, p.Glu154Lys (NM_001169109.2, NM_001169110.1, NM_001169111.2); short protein forms E154K.
Identifiers: ClinVar variation 1384299 (VCV001384299.28), dbSNP rs148930837, ClinGen allele CA10321200.

ClinVar aggregate classification (germline): Conflicting classifications of pathogenicity. Review status: criteria provided, conflicting classifications (1 of 4 stars). 3 submissions from 3 submitters: Uncertain significance (2); Likely benign (1). Last evaluated 2024-10-23.

Conditions:
Inborn genetic diseases. Identifiers: MedGen C0950123, MeSH D030342.

Allele frequency attached by ClinVar (database versions not stated): ESP Exome Variant Server 0.00008; TOPMed 0.00016; gnomAD 0.00019 and 0.00021; 1000 Genomes Project 30x 0.00031; 1000 Genomes Project 0.00040.

Submissions (3):

Labcorp Genetics (formerly Invitae), Labcorp
Classification: Uncertain significance. Last evaluated: 2024-10-23. Review status: criteria provided, single submitter. Criteria: Invitae Variant Classification Sherloc (09022015). Collection method: clinical testing. Allele origin: germline.
Comment: This sequence change replaces glutamic acid, which is acidic and polar, with lysine, which is basic and polar, at codon 154 of the SCO2 protein (p.Glu154Lys). This variant is present in population databases (rs148930837, gnomAD 0.07%). This variant has not been reported in the literature in individuals affected with SCO2-related conditions. ClinVar contains an entry for this variant (Variation ID: 1384299). Invitae Evidence Modeling of protein sequence and biophysical properties (such as structural, functional, and spatial information, amino acid conservation, physicochemical variation, residue mobility, and thermodynamic stability) indicates that this missense variant is not expected to disrupt SCO2 protein function with a negative predictive value of 80%. In summary, the available evidence is currently insufficient to determine the role of this variant in disease. Therefore, it has been classified as a Variant of Uncertain Significance.

Ambry Genetics
Classification: Uncertain significance for Inborn genetic diseases. Last evaluated: 2024-06-25. Review status: criteria provided, single submitter. Criteria: Ambry Variant Classification Scheme 2023. Collection method: clinical testing. Allele origin: germline.

CeGaT Center for Human Genetics Tuebingen
Classification: Likely benign. Last evaluated: 2023-09-01. Review status: criteria provided, single submitter. Criteria: CeGaT Center For Human Genetics Tuebingen Variant Classification Criteria Version 2. Collection method: clinical testing. Allele origin: germline. Affected: yes. Observed: 1 variant allele.
Comment: SCO2: BP4